The following is an entry in ClinVar:

ClinVar aggregate classification (germline): Conflicting classifications of pathogenicity. Review status: criteria provided, conflicting classifications (1 of 4 stars). 7 submissions from 7 submitters: Uncertain significance (5); Benign (1); Likely benign (1). Last evaluated 2026-06-30.

Conditions:
Charcot-Marie-Tooth disease, axonal, Type 2HH. Also called: CHARCOT-MARIE-TOOTH NEUROPATHY, TYPE 2HH. Identifiers: MedGen C5562003, MONDO:0030458, OMIM 619574.
Deafness, congenital heart defects, and posterior embryotoxon (DCHE). Identifiers: MedGen C1866053, MONDO:0060713, OMIM 617992.
Tetralogy of Fallot (TOF). Identifiers: Orphanet 3303, MedGen C0039685, MONDO:0008542, OMIM 187500, HP:0001636.
Alagille syndrome due to a JAG1 point mutation. Also called: HEPATIC DUCTULAR HYPOPLASIA, SYNDROMATIC; JAG1-Related Alagille Syndrome; Alagille Syndrome 1. Identifiers: Orphanet 261619, Orphanet 52, MedGen C1956125, MONDO:0016862, OMIM 118450.
Cardiovascular phenotype. Identifiers: MedGen CN230736.
JAG1-related disorder. Also called: JAG1-related disorders; JAG1-related condition.

Allele frequency attached by ClinVar (database versions not stated): ExAC 0.00005; gnomAD exomes 0.00005; gnomAD 0.00007; TOPMed 0.00009; ESP Exome Variant Server 0.00023.
gnomAD v4.1: 83 of 1,613,954 alleles (0.0051%); highest among the groups gnomAD compares: Non-Finnish European, 0.0061%; no homozygotes.

Submissions (7):

PreventionGenetics, part of Exact Sciences
Classification: Uncertain significance for JAG1-related condition. Last evaluated: 2026-06-30. Review status: criteria provided, single submitter. Criteria: ACMG Guidelines, 2015. Collection method: clinical testing. Allele origin: germline.
Comment: The JAG1 c.3652G>A variant is predicted to result in the amino acid substitution p.Val1218Ile. To our knowledge, this variant has not been reported in the literature. This variant is reported in 0.018% of alleles in individuals of African descent in gnomAD, including >80 heterozygotes in the newest version of the database (v4.1), which may be too frequent to be a primary cause of disease. Although we suspect that this variant may be benign, the clinical significance of this variant is currently classified as uncertain due to the absence of conclusive functional and genetic evidence.

GeneDx
Classification: Uncertain significance. Last evaluated: 2025-08-11. Review status: criteria provided, single submitter. Criteria: GeneDx Variant Classification Process June 2021. Collection method: clinical testing. Allele origin: germline. Affected: yes.
Comment: In silico analysis suggests that this missense variant does not alter protein structure/function; Has not been previously published as pathogenic or benign to our knowledge

Ambry Genetics
Classification: Uncertain significance for Cardiovascular phenotype. Last evaluated: 2024-09-08. Review status: criteria provided, single submitter. Criteria: Ambry Variant Classification Scheme 2023. Collection method: clinical testing. Allele origin: germline.
Comment: The p.V1218I variant (also known as c.3652G>A), located in coding exon 26 of the JAG1 gene, results from a G to A substitution at nucleotide position 3652. The valine at codon 1218 is replaced by isoleucine, an amino acid with highly similar properties. This amino acid position is highly conserved in available vertebrate species. In addition, the in silico prediction for this alteration is inconclusive. Since supporting evidence is limited at this time, the clinical significance of this alteration remains unclear.

Labcorp Genetics (formerly Invitae), Labcorp
Classification: Benign for Alagille syndrome due to a JAG1 point mutation. Last evaluated: 2023-08-23. Review status: criteria provided, single submitter. Criteria: Invitae Variant Classification Sherloc (09022015). Collection method: clinical testing. Allele origin: germline.

Blueprint Genetics
Classification: Likely benign. Last evaluated: 2022-11-24. Review status: criteria provided, single submitter. Criteria: ACMG Guidelines, 2015. Collection method: clinical testing. Allele origin: germline.

Fulgent Genetics
Classification: Uncertain significance for Alagille syndrome due to a JAG1 point mutation; Tetralogy of Fallot; Deafness, congenital heart defects, and posterior embryotoxon; Charcot-Marie-Tooth disease, axonal, Type 2HH. Last evaluated: 2022-02-17. Review status: criteria provided, single submitter. Criteria: ACMG Guidelines, 2015. Collection method: clinical testing. Allele origin: unknown.

Eurofins Ntd Llc (ga)
Classification: Uncertain significance. Last evaluated: 2017-02-24. Review status: criteria provided, single submitter. Criteria: EGL Classification Definitions 2015. Collection method: clinical testing. Allele origin: germline. Observed: 1 variant allele, 1 heterozygote.

NM_000214.3(JAG1):c.3652G>A (p.Val1218Ile)

Gene: JAG1 (jagged canonical Notch ligand 1; minus strand). Cytogenetic location: 20p12.2.
Variant type: single nucleotide variant.
Coding change: c.3652G>A on transcript NM_000214.3 (MANE Select); coding-DNA position 3652, G replaced by A.
Protein change: p.Val1218Ile; replaces valine 1218 with isoleucine.
Molecular consequence: missense variant.
Genome position (GRCh38, 1-based): chr20:10,639,503, C>T on the plus strand (G>A on the coding strand, the complement: JAG1 is on the minus strand). VCF-style: chr20-10639503-C-T. GRCh37 (hg19) VCF-style: chr20-10620151-C-T.
Other names: c.3652G>A, p.Val1218Ile (LRG_1191t1); short protein forms V1218I.
Identifiers: ClinVar variation 500525 (VCV000500525.20), dbSNP rs150295026, ClinGen allele CA9764165.
Genomic context (GRCh38, chr20:10,639,503, plus strand): 5'-TTAAAGAACTACAAGCCCTCAGACTCTACCTAGCGGCGGCAGTGCCCGCGGTCTGCTATA[C>T]GATGTACTCCATTCGGTTTAAGCTCTGGGCACTTTCCAAGTCTCTGTTGTCCTGTTTGTT-3'
Protein context (NP_000205.1, residues 1208-1218): AQSLNRMEYI[Val1218Ile]